The following is an entry in ClinVar:

ClinVar aggregate classification (germline): Uncertain significance (1 of 4 stars; one submission).

Conditions:
Atypical hemolytic-uremic syndrome. Identifiers: Orphanet 2134, MedGen C2931788, MONDO:0016244.

Submission:

Genomenon, Inc
Classification: Uncertain significance for Atypical hemolytic-uremic syndrome. Last evaluated: 2025-10-02. Review status: criteria provided, single submitter. Criteria: Genomenon Sequence Variant Interpretation Standards - Updated. Collection method: curation. Allele origin: germline. Affected: yes.
Comment: CFH p.Glu927Lys (c.2779G>A) is a missense variant that changes the amino acid at residue 927 from Glutamic acid to Lysine. This variant has been observed in at least one proband affected with atypical hemolytic-uremic syndrome (PMID:31705748). It is absent or not present at a significant frequency in gnomAD. In silico models agree that this variant is not damaging. In conclusion, we classify CFH p.Glu927Lys (c.2779G>A) as a variant of uncertain significance.

Literature cited by the submitters: PubMed 31705748.

NM_000186.4(CFH):c.2779G>A (p.Glu927Lys)

Gene: CFH (complement factor H; plus strand). Cytogenetic location: 1q31.3.
Variant type: single nucleotide variant.
Coding change: c.2779G>A on transcript NM_000186.4 (MANE Select); coding-DNA position 2779, G replaced by A.
Protein change: p.Glu927Lys; replaces glutamic acid 927 with lysine.
Molecular consequence: missense variant.
Genome position (GRCh38, 1-based): chr1:196,737,657, G>A. VCF-style: chr1-196737657-G-A. GRCh37 (hg19) VCF-style: chr1-196706787-G-A.
Other names: short protein forms E927K.
Identifiers: ClinVar variation 4291511 (VCV004291511.1).